The following is an entry in ClinVar:

ClinVar aggregate classification (germline): Likely pathogenic (1 of 4 stars; one submission).

Conditions:
Senior-Loken syndrome 8 (SLSN8). Identifiers: Orphanet 3156, MedGen C4225376, MONDO:0014579, OMIM 616307.
Asphyxiating thoracic dystrophy 5 (SRTD5). Also called: SHORT-RIB THORACIC DYSPLASIA 5 WITH OR WITHOUT POLYDACTYLY; SHORT-RIB THORACIC DYSPLASIA 5 WITHOUT POLYDACTYLY. Identifiers: Orphanet 474, MedGen C3280598, MONDO:0013717, OMIM 614376.

Submission:

Labcorp Genetics (formerly Invitae), Labcorp
Classification: Likely pathogenic for Senior-Loken syndrome 8; Asphyxiating thoracic dystrophy 5. Last evaluated: 2026-01-06. Review status: criteria provided, single submitter. Criteria: Invitae Variant Classification Sherloc (09022015). Collection method: clinical testing. Allele origin: germline.
Comment: This sequence change affects a donor splice site in intron 11 of the WDR19 gene. It is expected to disrupt RNA splicing. Variants that disrupt the donor or acceptor splice site typically lead to a loss of protein function (PMID: 16199547), and loss-of-function variants in WDR19 are known to be pathogenic (PMID: 22019273, 23559409, 23683095, 26275793, 27241786, 29068549). This variant is not present in population databases (gnomAD no frequency). This variant has not been reported in the literature in individuals affected with WDR19-related conditions. Algorithms developed to predict the effect of sequence changes on RNA splicing suggest that this variant may disrupt the consensus splice site. In summary, the currently available evidence indicates that the variant is pathogenic, but additional data are needed to prove that conclusively. Therefore, this variant has been classified as Likely Pathogenic.

Literature cited by the submitters: PubMed 16199547; PubMed 22019273; PubMed 23559409; PubMed 23683095; PubMed 26275793; PubMed 27241786; PubMed 29068549.

NM_025132.4(WDR19):c.1134+1G>C

Gene: WDR19 (WD repeat domain 19; plus strand). Cytogenetic location: 4p14.
Variant type: single nucleotide variant.
Coding change: c.1134+1G>C on transcript NM_025132.4 (MANE Select); the canonical splice donor site of the intron after coding-DNA position 1134, G replaced by C.
Molecular consequence: splice donor variant.
Genome position (GRCh38, 1-based): chr4:39,216,014, G>C. VCF-style: chr4-39216014-G-C. GRCh37 (hg19) VCF-style: chr4-39217634-G-C.
Other names: c.654+1G>C (NM_001317924.2).
Identifiers: ClinVar variation 4785140 (VCV004785140.1).